The following is an entry in ClinVar:

ClinVar aggregate classification (germline): Conflicting classifications of pathogenicity. Review status: criteria provided, conflicting classifications (1 of 4 stars). 2 submissions from 2 submitters: Uncertain significance (1); Likely benign (1). Last evaluated 2024-06-24.

Conditions:
Inborn genetic diseases. Identifiers: MedGen C0950123, MeSH D030342.

Allele frequency attached by ClinVar (database versions not stated): gnomAD 0.00002; TOPMed 0.00002.
gnomAD v4.1: 12 of 1,146,406 alleles (0.001%); highest among the groups gnomAD compares: East Asian, 0.0044%; no homozygotes.

Submissions (2):

Labcorp Genetics (formerly Invitae), Labcorp
Classification: Uncertain significance. Last evaluated: 2024-06-24. Review status: criteria provided, single submitter. Criteria: Invitae Variant Classification Sherloc (09022015). Collection method: clinical testing. Allele origin: germline.
Comment: This sequence change replaces proline, which is neutral and non-polar, with serine, which is neutral and polar, at codon 3 of the TSEN54 protein (p.Pro3Ser). This variant is not present in population databases (gnomAD no frequency). This variant has not been reported in the literature in individuals affected with TSEN54-related conditions. ClinVar contains an entry for this variant (Variation ID: 1983851). Algorithms developed to predict the effect of missense changes on protein structure and function output the following: SIFT: "Not Available"; PolyPhen-2: "Not Available"; Align-GVGD: "Not Available". The serine amino acid residue is found in multiple mammalian species, which suggests that this missense change does not adversely affect protein function. In summary, the available evidence is currently insufficient to determine the role of this variant in disease. Therefore, it has been classified as a Variant of Uncertain Significance.

Ambry Genetics
Classification: Likely benign for Inborn genetic diseases. Last evaluated: 2023-12-14. Review status: criteria provided, single submitter. Criteria: Ambry Variant Classification Scheme 2023. Collection method: clinical testing. Allele origin: germline.

NM_207346.3(TSEN54):c.7C>T (p.Pro3Ser)

Genes: TSEN54 (tRNA splicing endonuclease subunit 54; plus strand), LOC112533671 (Sharpr-MPRA regulatory region 12010; plus strand). Cytogenetic location: 17q25.1.
Variant type: single nucleotide variant.
Coding change: c.7C>T on transcript NM_207346.3 (MANE Select); coding-DNA position 7, C replaced by T.
Protein change: p.Pro3Ser; replaces proline 3 with serine.
Molecular consequence: missense variant.
Genome position (GRCh38, 1-based): chr17:75,516,567, C>T. VCF-style: chr17-75516567-C-T. GRCh37 (hg19) VCF-style: chr17-73512648-C-T.
Other names: c.7C>T (NM_207346.2); short protein forms P3S.
Identifiers: ClinVar variation 1983851 (VCV001983851.4), dbSNP rs1425806314, ClinGen allele CA401026797.